The following is an entry in ClinVar:

ClinVar aggregate classification (germline): Uncertain significance. Review status: criteria provided, multiple submitters, no conflicts (2 of 4 stars). 2 submissions from 2 submitters: Uncertain significance (2). Last evaluated 2025-05-29.

Conditions:
Inborn genetic diseases. Identifiers: MedGen C0950123, MeSH D030342.
Achondrogenesis, type IA (ACG1A). Identifiers: Orphanet 932, Orphanet 93299, MedGen C0265273, MONDO:0008701, OMIM 200600.

Allele frequency attached by ClinVar (database versions not stated): gnomAD exomes below 0.00001.
gnomAD v4.1: 3 of 1,614,112 alleles (0.00019%); highest among the groups gnomAD compares: Non-Finnish European, 0.00025%; no homozygotes.

Submissions (2):

Ambry Genetics
Classification: Uncertain significance for Inborn genetic diseases. Last evaluated: 2025-05-29. Review status: criteria provided, single submitter. Criteria: Ambry Variant Classification Scheme 2023. Collection method: clinical testing. Allele origin: germline.

Labcorp Genetics (formerly Invitae), Labcorp
Classification: Uncertain significance for Achondrogenesis, type IA. Last evaluated: 2018-11-15. Review status: criteria provided, single submitter. Criteria: Invitae Variant Classification Sherloc (09022015). Collection method: clinical testing. Allele origin: germline.
Comment: In summary, the available evidence is currently insufficient to determine the role of this variant in disease. Therefore, it has been classified as a Variant of Uncertain Significance. Algorithms developed to predict the effect of missense changes on protein structure and function (SIFT, PolyPhen-2, Align-GVGD) all suggest that this variant is likely to be tolerated, but these predictions have not been confirmed by published functional studies and their clinical significance is uncertain. This variant has not been reported in the literature in individuals with TRIP11-related disease. This variant is not present in population databases (ExAC no frequency). This sequence change replaces Ile with Thr at codon 1377 of the TRIP11 protein (p.Ile1377Thr). The Ile residue is weakly conserved and there is a moderate physicochemical difference between Ile and Thr.

NM_004239.4(TRIP11):c.4130T>C (p.Ile1377Thr)

Gene: TRIP11 (thyroid hormone receptor interactor 11; minus strand). Cytogenetic location: 14q32.12.
Variant type: single nucleotide variant.
Coding change: c.4130T>C on transcript NM_004239.4 (MANE Select); coding-DNA position 4130, T replaced by C.
Protein change: p.Ile1377Thr; replaces isoleucine 1377 with threonine.
Molecular consequence: missense variant.
Genome position (GRCh38, 1-based): chr14:92,003,846, A>G on the plus strand (T>C on the coding strand, the complement: TRIP11 is on the minus strand). VCF-style: chr14-92003846-A-G. GRCh37 (hg19) VCF-style: chr14-92470190-A-G.
Other names: c.4127T>C, p.Ile1376Thr (NM_001321851.1); c.4130T>C (NM_004239.3); short protein forms I1376T, I1377T.
Identifiers: ClinVar variation 648102 (VCV000648102.8), dbSNP rs1595386646, ClinGen allele CA390650368.
Genomic context (GRCh38, chr14:92,003,846, plus strand): 5'-TGCTTGATTTCTGAATCGGTTTGTTCGTGTTCTTTTCTTTCTAGCTCTGAGGTGGCAGCA[A>G]TCGAATCAGACAATCTGTGGTTATTTTCCTGGAGAGTTCTAATTGTTGCATCTTTTTCCT-3'
Protein context (NP_004230.2, residues 1367-1387): QENNHRLSDS[Ile1377Thr]AATSELERKE